The following is an entry in ClinVar:

NM_007294.4(BRCA1):c.1045_1046insTCAC (p.Glu349fs)

Gene: BRCA1 (BRCA1 DNA repair associated; minus strand). Cytogenetic location: 17q21.31.
Variant type: Insertion.
Coding change: c.1045_1046insTCAC on transcript NM_007294.4 (MANE Select); coding-DNA positions 1045 to 1046, TCAC inserted.
Protein change: p.Glu349fs; shifts the reading frame from glutamic acid 349.
Molecular consequence: frameshift variant. On other transcripts: intron variant (137).
Genome position: GRCh38 VCF-style: chr17-43094485-T-TGTGA. GRCh37 (hg19) VCF-style: chr17-41246502-T-TGTGA.
Other names: c.1042_1043insTCAC, p.Glu348fs (NM_001407627.1, NM_001407628.1, NM_001407629.1 and 22 more transcripts); c.1045_1046insTCAC, p.Glu349fs (NM_001407639.1, NM_001407640.1, NM_001407641.1 and 30 more transcripts); c.1036_1037insTCAC, p.Glu346fs (NM_001407646.1, NM_001407647.1); c.922_923insTCAC, p.Glu308fs (NM_001407648.1, NM_001407664.1, NM_001407665.1 and 19 more transcripts); c.919_920insTCAC, p.Glu307fs (NM_001407649.1, NM_001407670.1, NM_001407671.1 and 11 more transcripts); c.967_968insTCAC, p.Glu323fs (NM_001407653.1, NM_001407654.1, NM_001407655.1 and 4 more transcripts); c.964_965insTCAC, p.Glu322fs (NM_001407659.1, NM_001407660.1, NM_001407661.1 and 1 more transcripts); c.904_905insTCAC, p.Glu302fs (NM_001407692.1, NM_001407694.1, NM_001407695.1 and 29 more transcripts); and 40 more; short protein forms E349fs, E302fs, E279fs, E307fs, E322fs, E346fs, E53fs, E181fs.
Identifiers: ClinVar variation 548267 (VCV000548267.2), dbSNP rs1555592590, ClinGen allele CA658824541.

ClinVar aggregate classification (germline): Pathogenic (3 of 4 stars; one submission).

Conditions:
Breast-ovarian cancer, familial, susceptibility to, 1 (BROVCA1). Also called: BRCA1 Hereditary Breast and Ovarian Cancer; OVARIAN CANCER, SUSCEPTIBILITY TO. Identifiers: Orphanet 145, MedGen C2676676, MONDO:0011450, OMIM 604370. Disease mechanism: loss of function.

Submission:

Evidence-based Network for the Interpretation of Germline Mutant Alleles (ENIGMA)
Classification: Pathogenic for Breast-ovarian cancer, familial, susceptibility to, 1. Last evaluated: 2017-12-15. Review status: reviewed by expert panel. Criteria: ENIGMA BRCA1/2 Classification Criteria (2017-06-29). Collection method: curation. Allele origin: germline. Study: ENIGMA.
Comment: Variant allele predicted to encode a truncated non-functional protein.